The following is an entry in ClinVar:

NM_001165963.4(SCN1A):c.4117T>A (p.Phe1373Ile)

Genes: SCN1A (sodium voltage-gated channel alpha subunit 1; minus strand), LOC102724058 (uncharacterized LOC102724058; plus strand). Cytogenetic location: 2q24.3.
Variant type: single nucleotide variant.
Coding change: c.4117T>A on transcript NM_001165963.4 (MANE Select); coding-DNA position 4117, T replaced by A.
Protein change: p.Phe1373Ile; replaces phenylalanine 1373 with isoleucine.
Molecular consequence: missense variant. On other transcripts: non-coding transcript variant (1).
Genome position (GRCh38, 1-based): chr2:166,002,639, A>T on the plus strand (T>A on the coding strand, the complement: SCN1A is on the minus strand). VCF-style: chr2-166002639-A-T. GRCh37 (hg19) VCF-style: chr2-166859149-A-T.
Other names: c.4033T>A, p.Phe1345Ile (NM_001165964.3, NM_001353957.2, NM_001353958.2); c.4117T>A, p.Phe1373Ile (NM_001202435.3, NM_001353948.2); c.4084T>A, p.Phe1362Ile (NM_001353949.2, NM_001353950.2, NM_001353951.2 and 2 more transcripts); c.4081T>A, p.Phe1361Ile (NM_001353954.2, NM_001353955.2); c.4030T>A, p.Phe1344Ile (NM_001353960.2); c.1675T>A, p.Phe559Ile (NM_001353961.2); short protein forms F1344I, F1345I, F1361I, F1362I, F1373I, F559I.
Identifiers: ClinVar variation 3370353 (VCV003370353.1).

ClinVar aggregate classification (germline): Likely pathogenic (1 of 4 stars; one submission).

Conditions:
Severe myoclonic epilepsy in infancy (DRVT). Also called: Dravet syndrome; Epileptic encephalopathy, early infantile, 6 (Dravet syndrome); SEVERE MYOCLONIC EPILEPSY OF INFANCY; DEVELOPMENTAL AND EPILEPTIC ENCEPHALOPATHY 6A; Severe Myoclonic Epilepsy in Infancy (SMEI). Identifiers: Orphanet 33069, MedGen C0751122, MONDO:0100135, OMIM 607208.

Submission:

MVZ Medizinische Genetik Mainz
Classification: Likely pathogenic for Severe myoclonic epilepsy in infancy. Last evaluated: 2024-09-11. Review status: criteria provided, single submitter. Criteria: UK Practice Guidelines For Variant Classification V4 01 2020. Collection method: clinical testing. Allele origin: germline. Inheritance: Autosomal dominant inheritance. Affected: yes. Observed: 1 variant allele.
Comment: ACMG Criteria: PP3_STR,PM2_SUP,PP2